The following is an entry in ClinVar:

ClinVar aggregate classification (germline): Uncertain significance (1 of 4 stars; one submission).

Conditions:
Early-infantile DEE. Also called: Early infantile epileptic encephalopathy; Early infantile epileptic encephalopathy with suppression bursts; Ohtahara syndrome. Identifiers: Orphanet 1934, MedGen C0393706, MONDO:0800491.

Submission:

Labcorp Genetics (formerly Invitae), Labcorp
Classification: Uncertain significance for Early-infantile DEE. Last evaluated: 2023-02-17. Review status: criteria provided, single submitter. Criteria: Invitae Variant Classification Sherloc (09022015). Collection method: clinical testing. Allele origin: germline.
Comment: In summary, the available evidence is currently insufficient to determine the role of this variant in disease. Therefore, it has been classified as a Variant of Uncertain Significance. This sequence change replaces aspartic acid, which is acidic and polar, with glycine, which is neutral and non-polar, at codon 735 of the SPTAN1 protein (p.Asp735Gly). This variant is not present in population databases (gnomAD no frequency). This variant has not been reported in the literature in individuals affected with SPTAN1-related conditions. Advanced modeling of protein sequence and biophysical properties (such as structural, functional, and spatial information, amino acid conservation, physicochemical variation, residue mobility, and thermodynamic stability) has been performed at Invitae for this missense variant, however the output from this modeling did not meet the statistical confidence thresholds required to predict the impact of this variant on SPTAN1 protein function.

NM_001130438.3(SPTAN1):c.2204A>G (p.Asp735Gly)

Gene: SPTAN1 (spectrin alpha, non-erythrocytic 1; plus strand). Cytogenetic location: 9q34.11.
Variant type: single nucleotide variant.
Coding change: c.2204A>G on transcript NM_001130438.3 (MANE Select); coding-DNA position 2204, A replaced by G.
Protein change: p.Asp735Gly; replaces aspartic acid 735 with glycine.
Molecular consequence: missense variant.
Genome position (GRCh38, 1-based): chr9:128,584,292, A>G. VCF-style: chr9-128584292-A-G. GRCh37 (hg19) VCF-style: chr9-131346571-A-G.
Other names: c.2204A>G, p.Asp735Gly (NM_001195532.2, NM_001363759.2, NM_001363765.2 and 5 more transcripts); c.2240A>G, p.Asp747Gly (NM_001375312.2, NM_001375318.1); short protein forms D735G, D747G.
Identifiers: ClinVar variation 2830998 (VCV002830998.3), dbSNP rs2541197197, ClinGen allele CA375057109.
Genomic context (GRCh38, chr9:128,584,292, plus strand): 5'-GATAAAACCACACCCAAAGTAAAGTCTGCTCTGTCCTTTTGCATTCCCAGGACCGAATTG[A>G]TGGCATCACCATTCAGGCCCGCCAGTTCCAAGATGCTGGCCATTTTGATGCAGAAAACAT-3'
Protein context (NP_001123910.1, residues 725-745): ADVAAHQDRI[Asp735Gly]GITIQARQFQ